The following is an entry in ClinVar:

ClinVar aggregate classification (germline): Uncertain significance (1 of 4 stars; one submission).

Conditions:
Fanconi anemia (FA). Also called: Fanconi's anemia. Identifiers: Orphanet 84, MedGen C0015625, MeSH D005199, MONDO:0019391.

gnomAD v4.1: 4 of 1,613,896 alleles (0.00025%); highest among the groups gnomAD compares: African/African-American, 0.0013%; no homozygotes.

Submission:

Labcorp Genetics (formerly Invitae), Labcorp
Classification: Uncertain significance for Fanconi anemia. Last evaluated: 2025-08-31. Review status: criteria provided, single submitter. Criteria: Invitae Variant Classification Sherloc (09022015). Collection method: clinical testing. Allele origin: germline.
Comment: This sequence change replaces alanine, which is neutral and non-polar, with valine, which is neutral and non-polar, at codon 1812 of the SLX4 protein (p.Ala1812Val). This variant is present in population databases (no rsID available, gnomAD 0.007%). This variant has not been reported in the literature in individuals affected with SLX4-related conditions. An algorithm developed to predict the effect of missense changes on protein structure and function (PolyPhen-2) suggests that this variant is likely to be tolerated. In summary, the available evidence is currently insufficient to determine the role of this variant in disease. Therefore, it has been classified as a Variant of Uncertain Significance.

NM_032444.4(SLX4):c.5435C>T (p.Ala1812Val)

Gene: SLX4 (SLX4 structure-specific endonuclease subunit; minus strand). Cytogenetic location: 16p13.3.
Variant type: single nucleotide variant.
Coding change: c.5435C>T on transcript NM_032444.4 (MANE Select); coding-DNA position 5435, C replaced by T.
Protein change: p.Ala1812Val; replaces alanine 1812 with valine.
Molecular consequence: missense variant.
Genome position (GRCh38, 1-based): chr16:3,582,412, G>A on the plus strand (C>T on the coding strand, the complement: SLX4 is on the minus strand). VCF-style: chr16-3582412-G-A. GRCh37 (hg19) VCF-style: chr16-3632413-G-A.
Other names: short protein forms A1812V.
Identifiers: ClinVar variation 4697145 (VCV004697145.1).